The following is an entry in ClinVar:

NM_002168.4(IDH2):c.723G>C (p.Gln241His)

Gene: IDH2 (isocitrate dehydrogenase (NADP(+)) 2; minus strand). Cytogenetic location: 15q26.1.
Variant type: single nucleotide variant.
Coding change: c.723G>C on transcript NM_002168.4 (MANE Select); coding-DNA position 723, G replaced by C.
Protein change: p.Gln241His; replaces glutamine 241 with histidine.
Molecular consequence: missense variant.
Genome position (GRCh38, 1-based): chr15:90,087,531, C>G on the plus strand (G>C on the coding strand, the complement: IDH2 is on the minus strand). VCF-style: chr15-90087531-C-G. GRCh37 (hg19) VCF-style: chr15-90630763-C-G.
Other names: c.567G>C, p.Gln189His (NM_001289910.1); c.333G>C, p.Gln111His (NM_001290114.2); short protein forms Q241H, Q189H, Q111H.
Identifiers: ClinVar variation 948060 (VCV000948060.9), dbSNP rs1900894494, ClinGen allele CA393801753.

ClinVar aggregate classification (germline): Uncertain significance (1 of 4 stars; one submission).

Conditions:
D-2-hydroxyglutaric aciduria 2 (D2HGA2). Identifiers: Orphanet 79315, MedGen C3150909, MONDO:0013345, OMIM 613657.

Submission:

Labcorp Genetics (formerly Invitae), Labcorp
Classification: Uncertain significance for D-2-hydroxyglutaric aciduria 2. Last evaluated: 2019-04-26. Review status: criteria provided, single submitter. Criteria: Invitae Variant Classification Sherloc (09022015). Collection method: clinical testing. Allele origin: germline.
Comment: In summary, the available evidence is currently insufficient to determine the role of this variant in disease. Therefore, it has been classified as a Variant of Uncertain Significance. Algorithms developed to predict the effect of missense changes on protein structure and function are either unavailable or do not agree on the potential impact of this missense change (SIFT: "Deleterious"; PolyPhen-2: "Benign"; Align-GVGD: "Class C0"). This variant has not been reported in the literature in individuals with IDH2-related conditions. This variant is not present in population databases (ExAC no frequency). This sequence change replaces glutamine with histidine at codon 241 of the IDH2 protein (p.Gln241His). The glutamine residue is highly conserved and there is a small physicochemical difference between glutamine and histidine.